The following is an entry in ClinVar:

NC_012920.1(MT-CO3):m.9786G>A

Gene: MT-CO3 (mitochondrially encoded cytochrome c oxidase III; plus strand).
Variant type: single nucleotide variant.
Genome position: chrM-9786-G-A.
Identifiers: ClinVar variation 693226 (VCV000693226.1), dbSNP rs1603222499, ClinGen allele CA414803708.
Genomic context (GRCh38, chrMT:9,786, plus strand): 5'-ACCCTCCTACAAGCCTCAGAGTACTTCGAGTCTCCCTTCACCATTTCCGACGGCATCTAC[G>A]GCTCAACATTTTTTGTAGCCACAGGCTTCCACGGACTTCACGTCATTATTGGCTCAACTT-3'

ClinVar aggregate classification (germline): Uncertain significance (1 of 4 stars; one submission).

Conditions:
Leigh syndrome (NULS). Also called: Leigh's necrotizing encephalopathy; Leigh's disease; Leigh Syndrome (mtDNA deletion); Leigh Disease; Subacute necrotizing encephalopathy; Necrotizing encephalopathy infantile subacute of Leigh. Identifiers: Orphanet 506, MedGen C2931891, MONDO:0009723, OMIM 256000.

Submission:

Wong Mito Lab, Molecular and Human Genetics, Baylor College of Medicine
Classification: Uncertain significance for Leigh syndrome. Last evaluated: 2019-10-17. Review status: criteria provided, single submitter. Criteria: Modified ACMG Guidelines (Unpublished). Collection method: clinical testing. Allele origin: germline.
Comment: The NC_012920.1:m.9786G>A (YP_003024032.1:p.Gly194Ser) variant in MTCO3 gene is interpretated to be a Uncertain Significance variant based on the modified ACMG guidelines (unpublished). This variant meets the following evidence codes: PP7